The following is an entry in ClinVar:

NM_000815.5(GABRD):c.523G>A (p.Glu175Lys)

Gene: GABRD (gamma-aminobutyric acid type A receptor subunit delta; plus strand). Cytogenetic location: 1p36.33.
Variant type: single nucleotide variant.
Coding change: c.523G>A on transcript NM_000815.5 (MANE Select); coding-DNA position 523, G replaced by A.
Protein change: p.Glu175Lys; replaces glutamic acid 175 with lysine.
Molecular consequence: missense variant.
Genome position (GRCh38, 1-based): chr1:2,027,629, G>A. VCF-style: chr1-2027629-G-A. GRCh37 (hg19) VCF-style: chr1-1959068-G-A.
Other names: short protein forms E175K.
Identifiers: ClinVar variation 1416702 (VCV001416702.8), dbSNP rs1658963820, ClinGen allele CA337958112.
Genomic context (GRCh38, chr1:2,027,629, plus strand): 5'-CTTGGCAGAATCACCTCCACTGTGGCCTGCGACATGGACCTGGCCAAATACCCCATGGAC[G>A]AGCAGGAGTGCATGCTGGACCTGGAGAGCTGTGAGTGGGTGTGCAAGGCGGGTAGGGGCT-3'
Protein context (NP_000806.2, residues 165-185): DMDLAKYPMD[Glu175Lys]QECMLDLESY

ClinVar aggregate classification (germline): Uncertain significance (1 of 4 stars; one submission).

Conditions:
Idiopathic generalized epilepsy. Also called: EIG; Generalised epilepsy. Identifiers: MedGen C0270850, MONDO:0005579, OMIM 600669.

Allele frequency attached by ClinVar (database versions not stated): gnomAD exomes below 0.00001; TOPMed below 0.00001.

Submission:

Labcorp Genetics (formerly Invitae), Labcorp
Classification: Uncertain significance for Idiopathic generalized epilepsy. Last evaluated: 2022-11-22. Review status: criteria provided, single submitter. Criteria: Invitae Variant Classification Sherloc (09022015). Collection method: clinical testing. Allele origin: germline.
Comment: Algorithms developed to predict the effect of missense changes on protein structure and function are either unavailable or do not agree on the potential impact of this missense change (SIFT: "Tolerated"; PolyPhen-2: "Possibly Damaging"; Align-GVGD: "Class C0"). ClinVar contains an entry for this variant (Variation ID: 1416702). This variant has not been reported in the literature in individuals affected with GABRD-related conditions. This variant is not present in population databases (gnomAD no frequency). This sequence change replaces glutamic acid, which is acidic and polar, with lysine, which is basic and polar, at codon 175 of the GABRD protein (p.Glu175Lys). In summary, the available evidence is currently insufficient to determine the role of this variant in disease. Therefore, it has been classified as a Variant of Uncertain Significance.